The following is an entry in ClinVar:

NM_000141.5(FGFR2):c.1393G>C (p.Glu465Gln)

Gene: FGFR2 (fibroblast growth factor receptor 2; minus strand). Cytogenetic location: 10q26.13.
Variant type: single nucleotide variant.
Coding change: c.1393G>C on transcript NM_000141.5 (MANE Select); coding-DNA position 1393, G replaced by C.
Protein change: p.Glu465Gln; replaces glutamic acid 465 with glutamine.
Molecular consequence: missense variant. On other transcripts: non-coding transcript variant (1).
Genome position (GRCh38, 1-based): chr10:121,503,836, C>G on the plus strand (G>C on the coding strand, the complement: FGFR2 is on the minus strand). VCF-style: chr10-121503836-C-G. GRCh37 (hg19) VCF-style: chr10-123263350-C-G.
Other names: c.1396G>C, p.Glu466Gln (NM_001144913.1, NM_022970.4); c.1057G>C, p.Glu353Gln (NM_001144914.1); c.1126G>C, p.Glu376Gln (NM_001144915.2, NM_023029.3); c.1048G>C, p.Glu350Gln (NM_001144916.2, NM_001441090.1); c.1045G>C, p.Glu349Gln (NM_001144917.2); c.1042G>C, p.Glu348Gln (NM_001144918.2, NM_001441091.1); c.1129G>C, p.Glu377Gln (NM_001144919.2); c.709G>C, p.Glu237Gln (NM_001320654.2); and 4 more; short protein forms E349Q, E353Q, E375Q, E237Q, E374Q, E376Q, E377Q, E463Q.
Identifiers: ClinVar variation 4983752 (VCV004983752.1).

ClinVar aggregate classification (germline): Uncertain significance (1 of 4 stars; one submission).

Conditions:
FGFR2-related disorder. Identifiers: MedGen CN380096.

Submission:

PreventionGenetics, part of Exact Sciences
Classification: Uncertain significance for FGFR2-related condition. Last evaluated: 2026-06-11. Review status: criteria provided, single submitter. Criteria: ACMG Guidelines, 2015. Collection method: clinical testing. Allele origin: germline.
Comment: The FGFR2 c.1393G>C variant is predicted to result in the amino acid substitution p.Glu465Gln. To our knowledge, this variant has not been reported in the literature or in a large population database (gnomAD), indicating this variant is rare. At this time, the clinical significance of this variant is uncertain due to the absence of conclusive functional and genetic evidence.